The following is an entry in ClinVar:

NM_002334.4(LRP4):c.65G>T (p.Ser22Ile)

Gene: LRP4 (LDL receptor related protein 4; minus strand). Cytogenetic location: 11p11.2.
Variant type: single nucleotide variant.
Coding change: c.65G>T on transcript NM_002334.4 (MANE Select); coding-DNA position 65, G replaced by T.
Protein change: p.Ser22Ile; replaces serine 22 with isoleucine.
Molecular consequence: missense variant.
Genome position (GRCh38, 1-based): chr11:46,902,917, C>A on the plus strand (G>T on the coding strand, the complement: LRP4 is on the minus strand). VCF-style: chr11-46902917-C-A. GRCh37 (hg19) VCF-style: chr11-46924468-C-A.
Other names: short protein forms S22I.
Identifiers: ClinVar variation 665829 (VCV000665829.2), dbSNP rs777229906, ClinGen allele CA5970611.
Genomic context (GRCh38, chr11:46,902,917, plus strand): 5'-CACTCTCCAAGAGCACTCACTGCACATGTGAAGTGGCTCCGACCACAAGCACACTCGGGG[C>A]TGCTGGCCAGGCCTGGGCGGAGGGAAAAGGAATCAGTGAGGGCTCAGCTCCCACTCAACC-3'
Protein context (NP_002325.2, residues 12-32): ALLCAHGLAS[Ser22Ile]PECACGRSHF

ClinVar aggregate classification (germline): Uncertain significance. Review status: criteria provided, multiple submitters, no conflicts (2 of 4 stars). 2 submissions from 2 submitters: Uncertain significance (2). Last evaluated 2024-02-12.

Conditions:
Cenani-Lenz syndactyly syndrome. Also called: SYNDACTYLY, TYPE VII; CENANI SYNDACTYLISM. Identifiers: Orphanet 3258, MedGen C1859309, MONDO:0008931, OMIM 212780.
Sclerosteosis 2 (SOST2). Identifiers: Orphanet 3152, MedGen C3280402, MONDO:0013679, OMIM 614305.
Congenital myasthenic syndrome 17. Identifiers: Orphanet 590, MedGen C4225377, MONDO:0014578, OMIM 616304.

Allele frequency attached by ClinVar (database versions not stated): gnomAD exomes below 0.00001; ExAC 0.00001; gnomAD 0.00001.
gnomAD v4.1: 5 of 1,613,976 alleles (0.00031%); highest among the groups gnomAD compares: Admixed American, 0.0017%; no homozygotes.

Submissions (2):

Fulgent Genetics
Classification: Uncertain significance for Cenani-Lenz syndactyly syndrome; Sclerosteosis 2; Congenital myasthenic syndrome 17. Last evaluated: 2024-02-12. Review status: criteria provided, single submitter. Criteria: ACMG Guidelines, 2015. Collection method: clinical testing. Allele origin: germline.

Labcorp Genetics (formerly Invitae), Labcorp
Classification: Uncertain significance for Syndactyly Cenani Lenz type; Sclerosteosis 2; Myasthenic syndrome, congenital, 17. Last evaluated: 2018-07-26. Review status: criteria provided, single submitter. Criteria: Invitae Variant Classification Sherloc (09022015). Collection method: clinical testing. Allele origin: germline.
Comment: This sequence change replaces serine with isoleucine at codon 22 of the LRP4 protein (p.Ser22Ile). The serine residue is highly conserved and there is a large physicochemical difference between serine and isoleucine. This variant is present in population databases (rs777229906, ExAC 0.002%). This variant has not been reported in the literature in individuals with LRP4-related disease. Algorithms developed to predict the effect of missense changes on protein structure and function are either unavailable or do not agree on the potential impact of this missense change (SIFT: "Deleterious"; PolyPhen-2: "Benign"; Align-GVGD: "Class C0"). In summary, the available evidence is currently insufficient to determine the role of this variant in disease. Therefore, it has been classified as a Variant of Uncertain Significance.